The following is an entry in ClinVar:

ClinVar aggregate classification (germline): Uncertain significance (1 of 4 stars; one submission).

Conditions:
Joubert syndrome 18 (JBTS18). Identifiers: Orphanet 2754, MedGen C3553758, MONDO:0013896, OMIM 614815.
Orofacial-digital syndrome IV (OFD4). Also called: Orofaciodigital syndrome IV; BARAITSER-BURN SYNDROME; MOHR-MAJEWSKI SYNDROME; OFD SYNDROME WITH TIBIAL DEFECTS; OFD SYNDROME, BARAITSER-BURN TYPE; OFDS IV. Identifiers: Orphanet 2753, MedGen C0406727, MONDO:0009794, OMIM 258860.

Allele frequency attached by ClinVar (database versions not stated): gnomAD exomes below 0.00001; ExAC 0.00001; gnomAD 0.00001; 1000 Genomes Project 0.00020; 1000 Genomes Project 30x 0.00031.
gnomAD v4.1: 3 of 1,602,390 alleles (0.00019%); highest among the groups gnomAD compares: South Asian, 0.0022%; no homozygotes.

Submission:

Labcorp Genetics (formerly Invitae), Labcorp
Classification: Uncertain significance for Joubert syndrome 18; Orofacial-digital syndrome IV. Last evaluated: 2021-08-16. Review status: criteria provided, single submitter. Criteria: Invitae Variant Classification Sherloc (09022015). Collection method: clinical testing. Allele origin: germline.
Comment: This sequence change falls in intron 2 of the TCTN3 gene. It does not directly change the encoded amino acid sequence of the TCTN3 protein. It affects a nucleotide within the consensus splice site of the intron. This variant is present in population databases (rs546476903, ExAC 0.008%). This variant has not been reported in the literature in individuals affected with TCTN3-related conditions. Variants that disrupt the consensus splice site are a relatively common cause of aberrant splicing (PMID: 17576681, 9536098). Algorithms developed to predict the effect of sequence changes on RNA splicing suggest that this variant is not likely to affect RNA splicing. In summary, the available evidence is currently insufficient to determine the role of this variant in disease. Therefore, it has been classified as a Variant of Uncertain Significance.

Literature cited by the submitters: PubMed 17576681; PubMed 9536098.

NM_015631.6(TCTN3):c.381-3C>T

Gene: TCTN3 (tectonic family member 3; minus strand). Cytogenetic location: 10q24.1.
Variant type: single nucleotide variant.
Coding change: c.381-3C>T on transcript NM_015631.6 (MANE Select); 3 bases into the intron before coding-DNA position 381, C replaced by T.
Molecular consequence: intron variant.
Genome position (GRCh38, 1-based): chr10:95,693,041, G>A on the plus strand (C>T on the coding strand, the complement: TCTN3 is on the minus strand). VCF-style: chr10-95693041-G-A. GRCh37 (hg19) VCF-style: chr10-97452798-G-A.
Other names: c.381-3C>T (NM_001143973.2).
Identifiers: ClinVar variation 1517394 (VCV001517394.6), dbSNP rs546476903, ClinGen allele CA5621169.